The following is an entry in ClinVar:

NM_000363.5(TNNI3):c.563T>C (p.Val188Ala)

Gene: TNNI3 (troponin I3, cardiac type; minus strand). Cytogenetic location: 19q13.42.
Variant type: single nucleotide variant.
Coding change: c.563T>C on transcript NM_000363.5 (MANE Select); coding-DNA position 563, T replaced by C.
Protein change: p.Val188Ala; replaces valine 188 with alanine.
Molecular consequence: missense variant.
Genome position (GRCh38, 1-based): chr19:55,151,904, A>G on the plus strand (T>C on the coding strand, the complement: TNNI3 is on the minus strand). VCF-style: chr19-55151904-A-G. GRCh37 (hg19) VCF-style: chr19-55663272-A-G.
Other names: short protein forms V188A.
Identifiers: ClinVar variation 3971624 (VCV003971624.1).

ClinVar aggregate classification (germline): Uncertain significance (1 of 4 stars; one submission).

Conditions:
Cardiovascular phenotype. Identifiers: MedGen CN230736.

Submission:

Ambry Genetics
Classification: Uncertain significance for Cardiovascular phenotype. Last evaluated: 2025-05-10. Review status: criteria provided, single submitter. Criteria: Ambry Variant Classification Scheme 2023. Collection method: clinical testing. Allele origin: germline.
Comment: The p.V188A variant (also known as c.563T>C), located in coding exon 8 of the TNNI3 gene, results from a T to C substitution at nucleotide position 563. The valine at codon 188 is replaced by alanine, an amino acid with similar properties. This variant was reported in individual(s) with features consistent with TNNI3-related cardiomyopathy (Melacini P et al. Int J Cardiol, 2008 Aug;128:364-73; Harper AR et al. Nat Genet, 2021 Feb;53:135-142; McGurk KA et al. Am J Hum Genet, 2023 Sep;110:1482-1495; Ambry internal data). This amino acid position is highly conserved in available vertebrate species. In addition, the in silico prediction for this alteration is inconclusive. Based on the available evidence, the clinical significance of this variant remains unclear.

Literature cited by the submitters: PubMed 17643520; PubMed 33495597; PubMed 37652022.